The following is an entry in ClinVar:

ClinVar aggregate classification (germline): Pathogenic/Likely pathogenic. Review status: criteria provided, multiple submitters, no conflicts (2 of 4 stars). 3 submissions from 3 submitters: Pathogenic (1); Likely pathogenic (1). 1 of the submissions does not count toward it. Last evaluated 2026-05-14.

Conditions:
ESRRG-related condition.
MOVEMENT DISORDER, CONGENITAL NONPROGRESSIVE, WITH ATAXIA AND EYE MOVEMENT ABNORMALITIES (CONMAE). Identifiers: MedGen CN382199, OMIM 621639.
Movement disorder. Also called: Movement disorders; Abnormality of movement. Identifiers: MedGen C0026650, MONDO:0005395, HP:0100022.

Submissions (3):

Undiagnosed Diseases Network, NIH
Classification: Likely pathogenic for ESRRG-related condition. Last evaluated: 2026-05-14. Review status: criteria provided, single submitter. Criteria: ACMG Guidelines, 2015. Collection method: clinical testing. Allele origin: maternal. Affected: yes. Observed: 3 variant alleles, 3 heterozygotes. Clinical features observed: Optic atrophy (HP:0000648), Eczematoid dermatitis (HP:0000964), Progressive ptosis (HP:0007838), Congenital ptosis (HP:0007970), Increased muscle fatiguability (HP:0003750), Fatigue (HP:0012378), Ataxia (HP:0001251), Hypotonia (HP:0001252), Dysarthria (HP:0001260), Global developmental delay (HP:0001263), Motor delay (HP:0001270), Bilateral ptosis (HP:0001488). Study: Undiagnosed Diseases Network (NIH), UDN.
Comment: This variant has been described as disease-causing in ClinVar (ID: 4530566). This variant has been reported as de novo in individuals affected with ESRRG related congenital non-progressive ataxia (PMID: 41265451). Functional studies show that the p.R184C variant fails to restore normal cell proliferation following ESRRG knockout, consistent with impaired or loss of normal ESRRG function associated with this variant (PMID: 41265421). This variant is interpreted as likely pathogenic associated with ESRRG related congenital nonprogressive ataxia.

Institute of Human Genetics, University of Leipzig Medical Center
Classification: Pathogenic for Movement disorder. Last evaluated: 2025-11-14. Review status: criteria provided, single submitter. Criteria: ACMG Guidelines, 2015. Collection method: clinical testing. Allele origin: de novo. Inheritance: Autosomal dominant inheritance. Affected: yes. Observed: 2 variant alleles.
Comment: Criteria applied: PS2, PS3_SUP, PM1_SUP, PM2, PP2, PP3

OMIM
Classification: Pathogenic for MOVEMENT DISORDER, CONGENITAL NONPROGRESSIVE, WITH ATAXIA AND EYE MOVEMENT ABNORMALITIES. Last evaluated: 2026-07-23. Review status: no assertion criteria provided. Collection method: literature only. Allele origin: germline. Not counted in ClinVar's aggregate classification.

Literature cited by the submitters: PubMed 41265451 (cited by Undiagnosed Diseases Network, NIH and OMIM); PubMed 41265421 (cited by Undiagnosed Diseases Network, NIH); DOI 10.1016/j.ajhg.2025.10.015 (cited by Institute of Human Genetics, University of Leipzig Medical Center).

NM_001438.4(ESRRG):c.550C>T (p.Arg184Cys)

Gene: ESRRG (estrogen related receptor gamma; minus strand). Cytogenetic location: 1q41.
Variant type: single nucleotide variant.
Coding change: c.550C>T on transcript NM_001438.4 (MANE Select); coding-DNA position 550, C replaced by T.
Protein change: p.Arg184Cys; replaces arginine 184 with cysteine.
Molecular consequence: missense variant. On other transcripts: 5 prime UTR variant (1), intron variant (2).
Genome position (GRCh38, 1-based): chr1:216,651,012, G>A on the plus strand (C>T on the coding strand, the complement: ESRRG is on the minus strand). VCF-style: chr1-216651012-G-A. GRCh37 (hg19) VCF-style: chr1-216824354-G-A.
Other names: c.481C>T, p.Arg161Cys (NM_001134285.3, NM_001243509.2, NM_001243510.3 and 12 more transcripts); c.-6C>T (NM_001243506.2); c.565C>T, p.Arg189Cys (NM_001243518.2); c.-164-82914C>T (NM_001243505.2); c.403+26064C>T (NM_001243507.2); short protein forms R161C, R184C, R189C.
Identifiers: ClinVar variation 4530566 (VCV004530566.3).